The following is an entry in ClinVar:

ClinVar aggregate classification (germline): Likely pathogenic (1 of 4 stars; one submission).

Conditions:
TYR-related disorder. Also called: TYR-related condition.

Submission:

PreventionGenetics, part of Exact Sciences
Classification: Likely pathogenic for TYR-related condition. Last evaluated: 2025-02-24. Review status: criteria provided, single submitter. Criteria: ACMG Guidelines, 2015. Collection method: clinical testing. Allele origin: germline.
Comment: The TYR c.272G>T variant is predicted to result in the amino acid substitution p.Cys91Phe. To our knowledge, this variant has not been reported in the literature or in a large population database (gnomAD), indicating this variant is rare. Alternate substitutions of this amino acid (p.Cys91Tyr and p.Cys91Ser) have been reported in individuals with oculocutaneous albinism (Shakil et al. 2019. PubMed ID: 30996339; Chaki et al. 2011. PubMed ID: 20861851). Given the evidence, we interpret c.272G>T (p.Cys91Phe) as likely pathogenic.

NM_000372.5(TYR):c.272G>T (p.Cys91Phe)

Gene: TYR (tyrosinase; plus strand). Cytogenetic location: 11q14.3.
Variant type: single nucleotide variant.
Coding change: c.272G>T on transcript NM_000372.5 (MANE Select); coding-DNA position 272, G replaced by T.
Protein change: p.Cys91Phe; replaces cysteine 91 with phenylalanine.
Molecular consequence: missense variant.
Genome position (GRCh38, 1-based): chr11:89,178,225, G>T. VCF-style: chr11-89178225-G-T. GRCh37 (hg19) VCF-style: chr11-88911393-G-T.
Other names: short protein forms C91F.
Identifiers: ClinVar variation 2633321 (VCV002633321.2), dbSNP rs137854890, ClinGen allele CA382034038.